The following is an entry in ClinVar:

ClinVar aggregate classification (germline): Uncertain significance. Review status: criteria provided, single submitter (1 of 4 stars). 2 submissions from 2 submitters: Uncertain significance (1). 1 of the submissions does not count toward it. Last evaluated 2025-07-31.

Conditions:
DNAH2-related disorder. Also called: DNAH2-related condition.
Inborn genetic diseases. Identifiers: MedGen C0950123, MeSH D030342.

Allele frequency attached by ClinVar (database versions not stated): ExAC 0.00096; gnomAD 0.00307; ESP Exome Variant Server 0.00315; 1000 Genomes Project 0.00339; TOPMed 0.00342; 1000 Genomes Project 30x 0.00390.
gnomAD v4.1: 1,058 of 1,614,162 alleles (0.066%); highest among the groups gnomAD compares: African/African-American, 1%; 3 homozygotes.

Submissions (2):

Ambry Genetics
Classification: Uncertain significance for Inborn genetic diseases. Last evaluated: 2025-07-31. Review status: criteria provided, single submitter. Criteria: Ambry Variant Classification Scheme 2023. Collection method: clinical testing. Allele origin: germline.

PreventionGenetics, part of Exact Sciences
Classification: Benign for DNAH2-related condition. Last evaluated: 2019-03-25. Review status: no assertion criteria provided. Collection method: clinical testing. Allele origin: germline. Not counted in ClinVar's aggregate classification.
Comment: This variant is classified as benign based on ACMG/AMP sequence variant interpretation guidelines (Richards et al. 2015 PMID: 25741868, with internal and published modifications).

NM_020877.5(DNAH2):c.4250G>A (p.Arg1417His)

Gene: DNAH2 (dynein axonemal heavy chain 2; plus strand). Cytogenetic location: 17p13.1.
Variant type: single nucleotide variant.
Coding change: c.4250G>A on transcript NM_020877.5 (MANE Select); coding-DNA position 4250, G replaced by A.
Protein change: p.Arg1417His; replaces arginine 1417 with histidine.
Molecular consequence: missense variant.
Genome position (GRCh38, 1-based): chr17:7,770,821, G>A. VCF-style: chr17-7770821-G-A. GRCh37 (hg19) VCF-style: chr17-7674139-G-A.
Other names: c.4250G>A (NM_020877.2); short protein forms R1417H.
Identifiers: ClinVar variation 3050850 (VCV003050850.3), dbSNP rs146759071, ClinGen allele CA8357085.
Genomic context (GRCh38, chr17:7,770,821, plus strand): 5'-AAGAAGTATTCCAGGCACTGGAAGATAACCAGGTAGCTCTGTCTACCATGAAGGCATCAC[G>A]CTTTGTCAAGGCCTTTGAGAAGGATGTGGACCACTGGGAACGCTGCCTCTCCCTCATTTT-3'
Protein context (NP_065928.2, residues 1407-1427): QVALSTMKAS[Arg1417His]FVKAFEKDVD